The following is an entry in ClinVar:

NM_001267550.2(TTN):c.68992del (p.Ser22998fs)

Genes: TTN-AS1 (TTN antisense RNA 1; plus strand), TTN (titin; minus strand). Cytogenetic location: 2q31.2.
Variant type: Deletion.
Coding change: c.68992del on transcript NM_001267550.2 (MANE Select); coding-DNA position 68992, one base deleted (T; older notation c.68992delT).
Protein change: p.Ser22998fs; shifts the reading frame from serine 22998.
Molecular consequence: frameshift variant.
Genome position (GRCh38, 1-based): chr2:178,577,343, A deleted on the plus strand (T on the coding strand, the reverse complement: TTN is on the minus strand); the first of 2 consecutive A bases (chr2:178,577,343-178,577,344); deleting either gives the same sequence. VCF-style (leftmost placement, unchanged base first): chr2-178577342-GA-G. GRCh37 (hg19) VCF-style: chr2-179442069-GA-G.
Other names: c.64069del, p.Ser21357fs (NM_001256850.1); c.41797del, p.Ser13933fs (NM_003319.4); c.61288del, p.Ser20430fs (NM_133378.4); c.42172del, p.Ser14058fs (NM_133432.3); c.42373del, p.Ser14125fs (NM_133437.4); short protein forms S20430fs, S21357fs, S13933fs, S14058fs, S22998fs, S14125fs.
Identifiers: ClinVar variation 2087239 (VCV002087239.4), dbSNP rs2468776267, ClinGen allele CA2580064948.

ClinVar aggregate classification (germline): Likely pathogenic (1 of 4 stars; one submission).

Conditions:
Autosomal recessive limb-girdle muscular dystrophy type 2J (LGMDR10). Also called: Limb-girdle muscular dystrophy, type 2J; MUSCULAR DYSTROPHY, LIMB-GIRDLE, AUTOSOMAL RECESSIVE 10. Identifiers: Orphanet 140922, MedGen C1837342, MONDO:0012127, OMIM 608807.
Dilated cardiomyopathy 1G (CMD1G). Identifiers: Orphanet 154, MedGen C1858763, MONDO:0011400, OMIM 604145.

Submission:

Labcorp Genetics (formerly Invitae), Labcorp
Classification: Likely pathogenic for Dilated cardiomyopathy 1G; Autosomal recessive limb-girdle muscular dystrophy type 2J. Last evaluated: 2023-04-14. Review status: criteria provided, single submitter. Criteria: Invitae Variant Classification Sherloc (09022015). Collection method: clinical testing. Allele origin: germline.
Comment: In summary, the currently available evidence indicates that the variant is pathogenic, but additional data are needed to prove that conclusively. Therefore, this variant has been classified as Likely Pathogenic. This variant is located in the A band of TTN (PMID: 25589632). Truncating variants in this region are significantly overrepresented in patients affected with dilated cardiomyopathy (PMID: 25589632). Truncating variants in this region have also been reported in individuals affected with autosomal recessive centronuclear myopathy (PMID: 23975875). This variant has not been reported in the literature in individuals affected with TTN-related conditions. ClinVar contains an entry for this variant (Variation ID: 2087239). This variant is not present in population databases (gnomAD no frequency). This sequence change creates a premature translational stop signal (p.Ser22998Glnfs*36) in the TTN gene. While this is not anticipated to result in nonsense mediated decay, it is expected to create a truncated TTN protein.

Literature cited by the submitters: PubMed 25589632; PubMed 23975875.